The following is an entry in ClinVar:

NM_000051.4(ATM):c.5713T>C (p.Ser1905Pro)

Gene: ATM (ATM serine/threonine kinase; plus strand). Cytogenetic location: 11q22.3.
Variant type: single nucleotide variant.
Coding change: c.5713T>C on transcript NM_000051.4 (MANE Select); coding-DNA position 5713, T replaced by C.
Protein change: p.Ser1905Pro; replaces serine 1905 with proline.
Molecular consequence: missense variant.
Genome position (GRCh38, 1-based): chr11:108,307,935, T>C. VCF-style: chr11-108307935-T-C. GRCh37 (hg19) VCF-style: chr11-108178662-T-C.
Other names: c.5713T>C, p.Ser1905Pro (NM_001351834.2); short protein forms S1905P.
Identifiers: ClinVar variation 5031310 (VCV005031310.1).

ClinVar aggregate classification (germline): Uncertain significance (1 of 4 stars; one submission).

Conditions:
Hereditary cancer-predisposing syndrome. Also called: Neoplastic Syndromes, Hereditary; Tumor predisposition; Hereditary neoplastic syndrome; Hereditary Cancer Syndrome. Identifiers: Orphanet 140162, MedGen C0027672, MeSH D009386, MONDO:0015356.

Submission:

Ambry Genetics
Classification: Uncertain significance for Hereditary cancer-predisposing syndrome. Last evaluated: 2026-06-25. Review status: criteria provided, single submitter. Criteria: Ambry Variant Classification Scheme 2023. Collection method: clinical testing. Allele origin: germline.
Comment: The p.S1905P variant (also known as c.5713T>C), located in coding exon 37 of the ATM gene, results from a T to C substitution at nucleotide position 5713. The serine at codon 1905 is replaced by proline, an amino acid with similar properties. This amino acid position is highly conserved in available vertebrate species. In addition, this alteration is predicted to be deleterious by in silico analysis. Based on the available evidence, the clinical significance of this variant remains unclear.